The following is an entry in ClinVar:

ClinVar aggregate classification (germline): Pathogenic (1 of 4 stars; one submission).

Submission:

GeneDx
Classification: Pathogenic. Last evaluated: 2019-10-18. Review status: criteria provided, single submitter. Criteria: GeneDx Variant Classification Process June 2021. Collection method: clinical testing. Allele origin: germline. Affected: yes.
Comment: Frameshift variant predicted to result in protein truncation or nonsense mediated decay in a gene for which loss-of-function is a known mechanism of disease; Not observed in large population cohorts (Lek et al., 2016); Has not been previously published as pathogenic or benign to our knowledge

NM_012330.4(KAT6B):c.282del (p.Ser95fs)

Gene: KAT6B (lysine acetyltransferase 6B; plus strand). Cytogenetic location: 10q22.2.
Variant type: Deletion.
Coding change: c.282del on transcript NM_012330.4 (MANE Select); coding-DNA position 282, one base deleted (G; older notation c.282delG).
Protein change: p.Ser95fs; shifts the reading frame from serine 95.
Molecular consequence: frameshift variant. On other transcripts: 5 prime UTR variant (2).
Genome position (GRCh38, 1-based): chr10:74,843,139, G deleted; the last of 4 consecutive G bases (chr10:74,843,136-74,843,139); deleting any one gives the same sequence. VCF-style (leftmost placement, unchanged base first): chr10-74843135-AG-A. GRCh37 (hg19) VCF-style: chr10-76602893-AG-A.
Other names: c.282delG (NM_012330.3); c.282del, p.Ser95fs (NM_001256468.2, NM_001256469.2, NM_001370132.1 and 10 more transcripts); c.-257del (NM_001370134.1, NM_001370135.1); short protein forms S95fs.
Identifiers: ClinVar variation 561960 (VCV000561960.2), dbSNP rs1564515829, ClinGen allele CA658822622.